The following is an entry in ClinVar:

NM_004006.3(DMD):c.2962T>C (p.Ser988Pro)

Gene: DMD (dystrophin; minus strand). Cytogenetic location: Xp21.1.
Variant type: single nucleotide variant.
Coding change: c.2962T>C on transcript NM_004006.3 (MANE Select); coding-DNA position 2962, T replaced by C.
Protein change: p.Ser988Pro; replaces serine 988 with proline.
Molecular consequence: missense variant.
Genome position (GRCh38, 1-based): chrX:32,468,698, A>G on the plus strand (T>C on the coding strand, the complement: DMD is on the minus strand). VCF-style: chrX-32468698-A-G. GRCh37 (hg19) VCF-style: chrX-32486815-A-G.
Other names: c.2938T>C, p.Ser980Pro (NM_000109.4); c.2950T>C, p.Ser984Pro (NM_004009.3); c.2593T>C, p.Ser865Pro (NM_004010.3); short protein forms S988P, S865P, S980P, S984P.
Identifiers: ClinVar variation 935077 (VCV000935077.5), dbSNP rs2040307294, ClinGen allele CA412667171.
Genomic context (GRCh38, chrX:32,468,698, plus strand): 5'-TCGACATCTCTTTCACAGTGGTGCTGAGATAGTATAGGCCACTTTGTTGCTCTTGCAGAG[A>G]ACTTTGTAAAGCCTAAAAAACAATTTTTTAAATACATTTACCCTAATTGATGAATAATAA-3'
Protein context (NP_003997.2, residues 978-998): RLGELQALQS[Ser988Pro]LQEQQSGLYY

ClinVar aggregate classification (germline): Uncertain significance. Review status: criteria provided, single submitter (1 of 4 stars). 4 submissions from 4 submitters: Uncertain significance (1). 3 of the submissions do not count toward it. Last evaluated 2019-08-02.

Conditions:
Duchenne muscular dystrophy (DMD). Also called: Duchenne Muscular Dystrophy (DMD); MUSCULAR DYSTROPHY, PSEUDOHYPERTROPHIC PROGRESSIVE, DUCHENNE TYPE. Identifiers: Orphanet 98896, MedGen C0013264, MONDO:0010679, OMIM 310200.
Cardiomyopathy (CMYO). Also called: Cardiomyopathies. Identifiers: Orphanet 167848, MedGen C0878544, MONDO:0004994, HP:0001638. Inheritance: Various modes of inheritance.
Dystrophin deficiency.
Becker muscular dystrophy (BMD). Also called: MUSCULAR DYSTROPHY, PSEUDOHYPERTROPHIC PROGRESSIVE, BECKER TYPE; Becker Muscular Dystrophy (BMD). Identifiers: Orphanet 98895, MedGen C0917713, MONDO:0010311, OMIM 300376.

Allele frequency attached by ClinVar (database versions not stated): gnomAD exomes 0.00001.
gnomAD v4.1: 6 of 1,209,743 alleles (0.0005%); highest among the groups gnomAD compares: Middle Eastern, 0.12%; no homozygotes.

Submissions (4):

Labcorp Genetics (formerly Invitae), Labcorp
Classification: Uncertain significance for Duchenne muscular dystrophy. Last evaluated: 2019-08-02. Review status: criteria provided, single submitter. Criteria: Invitae Variant Classification Sherloc (09022015). Collection method: clinical testing. Allele origin: germline.
Comment: This sequence change replaces serine with proline at codon 988 of the DMD protein (p.Ser988Pro). The serine residue is highly conserved and there is a moderate physicochemical difference between serine and proline. This variant is not present in population databases (ExAC no frequency). This variant has been reported in individuals in the Leiden Open-source Variation Database (PMID: 21520333). Algorithms developed to predict the effect of missense changes on protein structure and function are either unavailable or do not agree on the potential impact of this missense change (SIFT: "Deleterious"; PolyPhen-2: "Probably Damaging"; Align-GVGD: "Class C0"). In summary, the available evidence is currently insufficient to determine the role of this variant in disease. Therefore, it has been classified as a Variant of Uncertain Significance.

Natera, Inc.
Classification: Uncertain significance for Becker muscular dystrophy; Cardiomyopathy; Duchenne muscular dystrophy; Dystrophin deficiency. Last evaluated: 2021-02-23. Review status: no assertion criteria provided. Collection method: clinical testing. Allele origin: germline. Not counted in ClinVar's aggregate classification.

Joint Genome Diagnostic Labs from Nijmegen and Maastricht, Radboudumc and MUMC+
Classification: Uncertain significance. Review status: no assertion criteria provided. Collection method: clinical testing. Allele origin: germline. Affected: yes. Study: VKGL Data-share Consensus. Not counted in ClinVar's aggregate classification.

Laboratory of Diagnostic Genome Analysis, Leiden University Medical Center (LUMC)
Classification: Uncertain significance. Review status: no assertion criteria provided. Collection method: clinical testing. Allele origin: germline. Affected: yes. Study: VKGL Data-share Consensus. Not counted in ClinVar's aggregate classification.

Literature cited by the submitters: PubMed 21520333 (cited by Labcorp Genetics (formerly Invitae), Labcorp).